The following is an entry in ClinVar:

ClinVar aggregate classification (germline): Uncertain significance. Review status: criteria provided, multiple submitters, no conflicts (2 of 4 stars). 3 submissions from 3 submitters: Uncertain significance (3). Last evaluated 2024-12-08.

Conditions:
SLC26A1-related disorder. Also called: SLC26A1-related condition.
Hypersulfaturia (HYSULF). Identifiers: MedGen C5830511, MONDO:0957268, OMIM 620372.
Nephrolithiasis susceptibility caused by SLC26A1 (CAON1). Also called: NEPHROLITHIASIS, CALCIUM OXALATE, 1. Identifiers: MedGen C5779632, MONDO:0020722, OMIM 167030.

gnomAD v4.1: 92 of 1,610,012 alleles (0.0057%); highest among the groups gnomAD compares: Non-Finnish European, 0.0067%; no homozygotes.

Submissions (3):

PreventionGenetics, part of Exact Sciences
Classification: Uncertain significance for SLC26A1-related condition. Last evaluated: 2024-12-08. Review status: criteria provided, single submitter. Criteria: ACMG Guidelines, 2015. Collection method: clinical testing. Allele origin: germline.
Comment: The SLC26A1 c.1726G>A variant is predicted to result in the amino acid substitution p.Gly576Arg. To our knowledge, this variant has not been reported in the literature. This variant is reported in 0.0066% of alleles in individuals of African descent in gnomAD. At this time, the clinical significance of this variant is uncertain due to the absence of conclusive functional and genetic evidence.

Labcorp Genetics (formerly Invitae), Labcorp
Classification: Uncertain significance. Last evaluated: 2024-08-29. Review status: criteria provided, single submitter. Criteria: Invitae Variant Classification Sherloc (09022015). Collection method: clinical testing. Allele origin: germline.
Comment: This sequence change replaces glycine, which is neutral and non-polar, with arginine, which is basic and polar, at codon 576 of the SLC26A1 protein (p.Gly576Arg). This variant is present in population databases (rs769404125, gnomAD 0.007%). This variant has not been reported in the literature in individuals affected with SLC26A1-related conditions. Invitae Evidence Modeling of protein sequence and biophysical properties (such as structural, functional, and spatial information, amino acid conservation, physicochemical variation, residue mobility, and thermodynamic stability) indicates that this missense variant is not expected to disrupt SLC26A1 protein function with a negative predictive value of 80%. In summary, the available evidence is currently insufficient to determine the role of this variant in disease. Therefore, it has been classified as a Variant of Uncertain Significance.

Fulgent Genetics
Classification: Uncertain significance for Nephrolithiasis susceptibility caused by SLC26A1; Hypersulfaturia. Last evaluated: 2024-05-11. Review status: criteria provided, single submitter. Criteria: ACMG Guidelines, 2015. Collection method: clinical testing. Allele origin: germline.

NM_022042.4(SLC26A1):c.1726G>A (p.Gly576Arg)

Genes: IDUA (alpha-L-iduronidase; plus strand), SLC26A1 (solute carrier family 26 member 1; minus strand). Cytogenetic location: 4p16.3.
Variant type: single nucleotide variant.
Coding change: c.1726G>A on transcript NM_022042.4 (MANE Select); coding-DNA position 1726, G replaced by A.
Protein change: p.Gly576Arg; replaces glycine 576 with arginine.
Molecular consequence: missense variant. On other transcripts: intron variant (2).
Genome position (GRCh38, 1-based): chr4:989,213, C>T on the plus strand (G>A on the coding strand, the complement: SLC26A1 is on the minus strand). VCF-style: chr4-989213-C-T. GRCh37 (hg19) VCF-style: chr4-983001-C-T.
Other names: c.1726G>A (NM_022042.3); c.1726G>A, p.Gly576Arg (NM_213613.4); c.576+1915G>A (NM_134425.4); c.299+1264C>T (NM_000203.5); short protein forms G576R.
Identifiers: ClinVar variation 3591473 (VCV003591473.4).
Genomic context (GRCh38, chr4:989,213, plus strand): 5'-CCGGGCCCAGGTCCTCGCCCTGGGCAGGGCCTCCCTCACCGACCCCCGTCTCTGAGCCCC[C>T]CTCCTTCCTCCTGGCAGCCATGCACCCTGCGTCCAGCCCCGTGAGGCTGTAGAGTGACTG-3'
Protein context (NP_071325.2, residues 566-586): AGCMAARRKE[Gly576Arg]GSETGVGEGG